The following is an entry in ClinVar:

NM_001352027.3(PHF21A):c.1649T>G (p.Leu550Ter)

Gene: PHF21A (PHD finger protein 21A; minus strand). Cytogenetic location: 11p11.2.
Variant type: single nucleotide variant.
Coding change: c.1649T>G on transcript NM_001352027.3 (MANE Select); coding-DNA position 1649, T replaced by G.
Protein change: p.Leu550Ter; replaces leucine 550 with a stop codon.
Molecular consequence: nonsense. On other transcripts: non-coding transcript variant (2).
Genome position (GRCh38, 1-based): chr11:45,936,529, A>C on the plus strand (T>G on the coding strand, the complement: PHF21A is on the minus strand). VCF-style: chr11-45936529-A-C. GRCh37 (hg19) VCF-style: chr11-45958080-A-C.
Other names: c.1646T>G, p.Leu549Ter (NM_001101802.3); c.1649T>G, p.Leu550Ter (NM_001352025.3, NM_001352026.3, NM_001441170.1); c.1508T>G, p.Leu503Ter (NM_001352028.1, NM_001352029.1, NM_016621.5); c.1505T>G, p.Leu502Ter (NM_001352030.3, NM_001352031.3, NM_001352032.3); c.1670T>G, p.Leu557Ter (NM_001441167.1, NM_001441168.1); c.1667T>G, p.Leu556Ter (NM_001441169.1); c.1490T>G, p.Leu497Ter (NM_001441171.1); c.1397T>G, p.Leu466Ter (NM_001441172.1); short protein forms L466*, L497*, L502*, L503*, L549*, L550*, L556*, L557*.
Identifiers: ClinVar variation 4688008 (VCV004688008.1).

ClinVar aggregate classification (germline): Pathogenic (1 of 4 stars; one submission).

Conditions:
Intellectual developmental disorder with behavioral abnormalities and craniofacial dysmorphism with or without seizures. Identifiers: MedGen C5231476, MONDO:0032883, OMIM 618725.

Submission:

Human Genetics Bochum, Ruhr University Bochum
Classification: Pathogenic for Intellectual developmental disorder with behavioral abnormalities and craniofacial dysmorphism with or without seizures. Last evaluated: 2024-11-15. Review status: criteria provided, single submitter. Criteria: ACMG Guidelines, 2015. Collection method: clinical testing. Allele origin: germline. Affected: yes.
Comment: de novo; ACMG criteria used to clasify this variant: PVS1, PS2, PM2_SUP